The following is an entry in ClinVar:

ClinVar aggregate classification (germline): Uncertain significance (1 of 4 stars; one submission).

Conditions:
Glycogen storage disease, type II (IOPD). Also called: CARDIOMEGALIA GLYCOGENICA DIFFUSA; GLYCOGENOSIS, GENERALIZED, CARDIAC FORM; GSD II; POMPE DISEASE, INFANTILE-ONSET; GLYCOGEN STORAGE DISEASE II, INFANTILE-ONSET; ACID ALPHA-GLUCOSIDASE DEFICIENCY, INFANTILE-ONSET. Identifiers: Orphanet 365, MedGen C0017921, MONDO:0009290, OMIM 232300.

Allele frequency attached by ClinVar (database versions not stated): TOPMed below 0.00001.

Submission:

Labcorp Genetics (formerly Invitae), Labcorp
Classification: Uncertain significance for Glycogen storage disease, type II. Last evaluated: 2020-08-31. Review status: criteria provided, single submitter. Criteria: Invitae Variant Classification Sherloc (09022015). Collection method: clinical testing. Allele origin: germline.
Comment: This variant has not been reported in the literature in individuals with GAA-related conditions. In summary, the available evidence is currently insufficient to determine the role of this variant in disease. Therefore, it has been classified as a Variant of Uncertain Significance. Advanced modeling of protein sequence and biophysical properties (such as structural, functional, and spatial information, amino acid conservation, physicochemical variation, residue mobility, and thermodynamic stability) performed at Invitae indicates that this missense variant is not expected to disrupt GAA protein function. This variant is not present in population databases (ExAC no frequency). This sequence change replaces serine with phenylalanine at codon 9 of the GAA protein (p.Ser9Phe). The serine residue is moderately conserved and there is a large physicochemical difference between serine and phenylalanine.

NM_000152.5(GAA):c.26C>T (p.Ser9Phe)

Gene: GAA (alpha glucosidase; plus strand). Cytogenetic location: 17q25.3.
Variant type: single nucleotide variant.
Coding change: c.26C>T on transcript NM_000152.5 (MANE Select); coding-DNA position 26, C replaced by T.
Protein change: p.Ser9Phe; replaces serine 9 with phenylalanine.
Molecular consequence: missense variant.
Genome position (GRCh38, 1-based): chr17:80,104,612, C>T. VCF-style: chr17-80104612-C-T. GRCh37 (hg19) VCF-style: chr17-78078411-C-T.
Other names: c.26C>T, p.Ser9Phe (NM_001079803.3, NM_001079804.3); short protein forms S9F.
Identifiers: ClinVar variation 1015157 (VCV001015157.7), dbSNP rs1598568879, ClinGen allele CA401359935.